The following is an entry in ClinVar:

ClinVar aggregate classification (germline): Uncertain significance (1 of 4 stars; one submission).

Submission:

GeneDx
Classification: Uncertain significance. Last evaluated: 2024-09-23. Review status: criteria provided, single submitter. Criteria: GeneDx Variant Classification Process June 2021. Collection method: clinical testing. Allele origin: germline.
Comment: Frameshift variant predicted to result in abnormal protein length as the last 178 amino acids are replaced with 1 different amino acid; Not observed at significant frequency in large population cohorts (gnomAD); Has not been previously published as pathogenic or benign to our knowledge

NM_015570.4(AUTS2):c.3243dup (p.Leu1082fs)

Gene: AUTS2 (activator of transcription and developmental regulator AUTS2; plus strand). Cytogenetic location: 7q11.22.
Variant type: Duplication.
Coding change: c.3243dup on transcript NM_015570.4 (MANE Select); coding-DNA position 3243, one base duplicated (A; older notation c.3243dupA).
Protein change: p.Leu1082fs; shifts the reading frame from leucine 1082.
Molecular consequence: frameshift variant.
Genome position (GRCh38, 1-based): chr7:70,790,459, A duplicated; the last of 2 consecutive A bases (chr7:70,790,458-70,790,459); duplicating either gives the same sequence. VCF-style (leftmost placement, unchanged base first): chr7-70790457-G-GA. GRCh37 (hg19) VCF-style: chr7-70255443-G-GA.
Other names: c.3171dup, p.Leu1058fs (NM_001127231.3); short protein forms L1058fs, L1082fs.
Identifiers: ClinVar variation 2412882 (VCV002412882.4), dbSNP rs2484991419, ClinGen allele CA2580077431.